The following is an entry in ClinVar:

ClinVar aggregate classification (germline): Uncertain significance. Review status: criteria provided, multiple submitters, no conflicts (2 of 4 stars). 4 submissions from 4 submitters: Uncertain significance (4). Last evaluated 2024-01-09.

Conditions:
Congenital cataracts-facial dysmorphism-neuropathy syndrome (CCFDN). Also called: CTDP1-Related Congenital Cataracts, Facial Dysmorphism, and Neuropathy; CATARACT, CONGENITAL, WITH FACIAL DYSMORPHISM AND NEUROPATHY. Identifiers: Orphanet 48431, MedGen C1858726, MONDO:0011402, OMIM 604168.

Allele frequency attached by ClinVar (database versions not stated): ExAC 0.00001; TOPMed 0.00001; gnomAD 0.00002; ESP Exome Variant Server 0.00008.
gnomAD v4.1: 4 of 1,612,476 alleles (0.00025%); highest among the groups gnomAD compares: African/African-American, 0.0013%; no homozygotes.

Submissions (4):

Ambry Genetics
Classification: Uncertain significance. Last evaluated: 2024-01-09. Review status: criteria provided, single submitter. Criteria: Ambry Variant Classification Scheme 2023. Collection method: clinical testing. Allele origin: germline.

Labcorp Genetics (formerly Invitae), Labcorp
Classification: Uncertain significance. Last evaluated: 2021-12-03. Review status: criteria provided, single submitter. Criteria: Invitae Variant Classification Sherloc (09022015). Collection method: clinical testing. Allele origin: germline.
Comment: This sequence change replaces threonine, which is neutral and polar, with methionine, which is neutral and non-polar, at codon 147 of the CTDP1 protein (p.Thr147Met). The frequency data for this variant in the population databases is considered unreliable, as metrics indicate poor data quality at this position in the gnomAD database. This variant has not been reported in the literature in individuals affected with CTDP1-related conditions. ClinVar contains an entry for this variant (Variation ID: 392399). Algorithms developed to predict the effect of missense changes on protein structure and function are either unavailable or do not agree on the potential impact of this missense change (SIFT: "Deleterious"; PolyPhen-2: "Probably Damaging"; Align-GVGD: "Class C0"). In summary, the available evidence is currently insufficient to determine the role of this variant in disease. Therefore, it has been classified as a Variant of Uncertain Significance.

GeneDx
Classification: Uncertain significance. Last evaluated: 2019-11-25. Review status: criteria provided, single submitter. Criteria: GeneDx Variant Classification Process June 2021. Collection method: clinical testing. Allele origin: germline. Affected: yes.
Comment: In silico analysis, which includes protein predictors and evolutionary conservation, supports a deleterious effect; Has not been previously published as pathogenic or benign to our knowledge

Neuberg Centre For Genomic Medicine, NCGM
Classification: Uncertain significance for Congenital cataracts-facial dysmorphism-neuropathy syndrome. Review status: criteria provided, single submitter. Criteria: ACMG Guidelines, 2015. Collection method: clinical testing. Allele origin: germline. Affected: yes.
Comment: The missense variant p.T147M in CTDP1 (NM_004715.4) has not been reported previously as a pathogenic variant nor as a benign variant, to our knowledge. It has been reported as a variant of uncertain significance in the ClinVar database. It is novel (not in any individuals) in gnomAD ExomesThe p.T147M variant is novel (not in any individuals) in 1000 Genomes. There is a moderate physicochemical difference between threonine and methionine. The p.T147M missense variant is predicted to be damaging by both SIFT and PolyPhen2. The threonine residue at codon 147 of CTDP1 is conserved in all mammalian species. The nucleotide c.440 in CTDP1 is predicted conserved by GERP++ and PhyloP across 100 vertebrates. For these reasons, this variant has been classified as Uncertain Significance.

NM_004715.5(CTDP1):c.440C>T (p.Thr147Met)

Gene: CTDP1 (CTD phosphatase subunit 1; plus strand). Cytogenetic location: 18q23.
Variant type: single nucleotide variant.
Coding change: c.440C>T on transcript NM_004715.5 (MANE Select); coding-DNA position 440, C replaced by T.
Protein change: p.Thr147Met; replaces threonine 147 with methionine.
Molecular consequence: missense variant.
Genome position (GRCh38, 1-based): chr18:79,696,018, C>T. VCF-style: chr18-79696018-C-T. GRCh37 (hg19) VCF-style: chr18-77456018-C-T.
Other names: c.83C>T, p.Thr28Met (NM_001202504.1); c.440C>T, p.Thr147Met (NM_001318511.2, NM_048368.4); short protein forms T147M, T28M.
Identifiers: ClinVar variation 392399 (VCV000392399.7), dbSNP rs143464787, ClinGen allele CA9009963.